The following is an entry in ClinVar:

ClinVar aggregate classification (germline): Conflicting classifications of pathogenicity. Review status: criteria provided, conflicting classifications (1 of 4 stars). 4 submissions from 4 submitters: Uncertain significance (2); Likely benign (1). 1 of the submissions does not count toward it. Last evaluated 2025-02-16.

Conditions:
Hereditary cancer-predisposing syndrome. Also called: Neoplastic Syndromes, Hereditary; Tumor predisposition; Hereditary Cancer Syndrome; Hereditary neoplastic syndrome. Identifiers: Orphanet 140162, MedGen C0027672, MeSH D009386, MONDO:0015356.
Ataxia-telangiectasia syndrome (AT). Also called: ATAXIA-TELANGIECTASIA, COMPLEMENTATION GROUP A; ATAXIA-TELANGIECTASIA, FRESNO VARIANT; Ataxia-telangiectasia; Ataxia-telangiectasia, complementation group D; AT, COMPLEMENTATION GROUP C; Ataxia-telangiectasia, complementation group E. Identifiers: Orphanet 100, MedGen C0004135, MONDO:0008840, OMIM 208900.

Allele frequency attached by ClinVar (database versions not stated): gnomAD 0.00001; 1000 Genomes Project 30x 0.00016.

Submissions (4):

Labcorp Genetics (formerly Invitae), Labcorp
Classification: Uncertain significance for Ataxia-telangiectasia syndrome. Last evaluated: 2025-02-16. Review status: criteria provided, single submitter. Criteria: Invitae Variant Classification Sherloc (09022015). Collection method: clinical testing. Allele origin: germline.
Comment: This sequence change replaces isoleucine, which is neutral and non-polar, with valine, which is neutral and non-polar, at codon 1167 of the ATM protein (p.Ile1167Val). This variant is not present in population databases (gnomAD no frequency). This variant has not been reported in the literature in individuals affected with ATM-related conditions. ClinVar contains an entry for this variant (Variation ID: 524230). Invitae Evidence Modeling of protein sequence and biophysical properties (such as structural, functional, and spatial information, amino acid conservation, physicochemical variation, residue mobility, and thermodynamic stability) indicates that this missense variant is not expected to disrupt ATM protein function with a negative predictive value of 95%. In summary, the available evidence is currently insufficient to determine the role of this variant in disease. Therefore, it has been classified as a Variant of Uncertain Significance.

Color Diagnostics, LLC DBA Color Health
Classification: Uncertain significance for Hereditary cancer-predisposing syndrome. Last evaluated: 2023-12-05. Review status: criteria provided, single submitter. Criteria: ACMG Guidelines, 2015. Collection method: clinical testing. Allele origin: germline.
Comment: This missense variant replaces isoleucine with valine at codon 1167 of the ATM protein. Computational prediction suggests that this variant may not impact protein structure and function (internally defined REVEL score threshold <= 0.5, PMID: 27666373). To our knowledge, functional studies have not been reported for this variant. This variant has not been reported in individuals affected with ATM-related disorders in the literature. This variant has not been identified in the general population by the Genome Aggregation Database (gnomAD). The available evidence is insufficient to determine the role of this variant in disease conclusively. Therefore, this variant is classified as a Variant of Uncertain Significance.

Ambry Genetics
Classification: Likely benign for Hereditary cancer-predisposing syndrome. Last evaluated: 2022-06-07. Review status: criteria provided, single submitter. Criteria: Ambry Variant Classification Scheme 2023. Collection method: clinical testing. Allele origin: germline.

Natera, Inc.
Classification: Uncertain significance for Ataxia-telangiectasia. Last evaluated: 2021-05-14. Review status: no assertion criteria provided. Collection method: clinical testing. Allele origin: germline. Not counted in ClinVar's aggregate classification.

NM_000051.4(ATM):c.3499A>G (p.Ile1167Val)

Gene: ATM (ATM serine/threonine kinase; plus strand). Cytogenetic location: 11q22.3.
Variant type: single nucleotide variant.
Coding change: c.3499A>G on transcript NM_000051.4 (MANE Select); coding-DNA position 3499, A replaced by G.
Protein change: p.Ile1167Val; replaces isoleucine 1167 with valine.
Molecular consequence: missense variant.
Genome position (GRCh38, 1-based): chr11:108,281,091, A>G. VCF-style: chr11-108281091-A-G. GRCh37 (hg19) VCF-style: chr11-108151818-A-G.
Other names: c.3499A>G, p.Ile1167Val (NM_001351834.2); short protein forms I1167V.
Identifiers: ClinVar variation 524230 (VCV000524230.21), dbSNP rs1222634243, ClinGen allele CA382519746.